The following is an entry in ClinVar:

ClinVar aggregate classification (germline): Uncertain significance (1 of 4 stars; one submission).

Conditions:
Neuropathy, hereditary sensory, type 2C. Also called: KIF1A-Related HSAN2 (HSAN2C); Hereditary sensory and autonomic neuropathy type IIC. Identifiers: Orphanet 970, MedGen C3280168, MONDO:0013634, OMIM 614213.
Hereditary spastic paraplegia 30. Identifiers: Orphanet 101010, MedGen C5235139, MONDO:0012476.
Intellectual disability, autosomal dominant 9 (NESCAVS). Also called: KIF1A-Related Neurodevelopmental Disorder; NESCAV SYNDROME. Identifiers: Orphanet 662367, MedGen C5393830, MONDO:0013656, OMIM 614255.

Submission:

Labcorp Genetics (formerly Invitae), Labcorp
Classification: Uncertain significance for Hereditary spastic paraplegia 30; Neuropathy, hereditary sensory, type 2C; Intellectual disability, autosomal dominant 9. Last evaluated: 2025-06-19. Review status: criteria provided, single submitter. Criteria: Invitae Variant Classification Sherloc (09022015). Collection method: clinical testing. Allele origin: germline.
Comment: This sequence change replaces valine, which is neutral and non-polar, with aspartic acid, which is acidic and polar, at codon 1512 of the KIF1A protein (p.Val1512Asp). This variant is not present in population databases (gnomAD no frequency). This variant has not been reported in the literature in individuals affected with KIF1A-related conditions. Invitae Evidence Modeling of protein sequence and biophysical properties (such as structural, functional, and spatial information, amino acid conservation, physicochemical variation, residue mobility, and thermodynamic stability) indicates that this missense variant is not expected to disrupt KIF1A protein function with a negative predictive value of 95%. In summary, the available evidence is currently insufficient to determine the role of this variant in disease. Therefore, it has been classified as a Variant of Uncertain Significance.

NM_001244008.2(KIF1A):c.4838T>A (p.Val1613Asp)

Gene: KIF1A (kinesin family member 1A; minus strand). Cytogenetic location: 2q37.3.
Variant type: single nucleotide variant.
Coding change: c.4838T>A on transcript NM_001244008.2 (MANE Select); coding-DNA position 4838, T replaced by A.
Protein change: p.Val1613Asp; replaces valine 1613 with aspartic acid.
Molecular consequence: missense variant.
Genome position (GRCh38, 1-based): chr2:240,720,944, A>T on the plus strand (T>A on the coding strand, the complement: KIF1A is on the minus strand). VCF-style: chr2-240720944-A-T. GRCh37 (hg19) VCF-style: chr2-241660361-A-T.
Other names: c.4562T>A, p.Val1521Asp (NM_001320705.2, NM_001379649.1); c.4589T>A, p.Val1530Asp (NM_001330289.2); c.4637T>A, p.Val1546Asp (NM_001330290.2, NM_001379648.1); c.4913T>A, p.Val1638Asp (NM_001379631.1); c.4814T>A, p.Val1605Asp (NM_001379632.1); c.4811T>A, p.Val1604Asp (NM_001379633.1, NM_001379645.1); c.4664T>A, p.Val1555Asp (NM_001379634.1); c.4661T>A, p.Val1554Asp (NM_001379635.1, NM_001379646.1); and 7 more; short protein forms V1521D, V1530D, V1550D, V1555D, V1511D, V1537D, V1605D, V1520D.
Identifiers: ClinVar variation 4789367 (VCV004789367.1).